The following is an entry in ClinVar:

ClinVar aggregate classification (germline): Uncertain significance. Review status: criteria provided, multiple submitters, no conflicts (2 of 4 stars). 2 submissions from 2 submitters: Uncertain significance (2). Last evaluated 2023-02-20.

Conditions:
C syndrome. Also called: OPITZ TRIGONOCEPHALY SYNDROME; TRIGONOCEPHALY SYNDROME. Identifiers: Orphanet 1308, MedGen C0796095, MONDO:0008893, OMIM 211750.

Allele frequency attached by ClinVar (database versions not stated): gnomAD exomes 0.00001; gnomAD 0.00002; TOPMed 0.00002.
gnomAD v4.1: 29 of 1,599,526 alleles (0.0018%); highest among the groups gnomAD compares: East Asian, 0.0067%; 1 homozygote.

Submissions (2):

Labcorp Genetics (formerly Invitae), Labcorp
Classification: Uncertain significance. Last evaluated: 2023-02-20. Review status: criteria provided, single submitter. Criteria: Invitae Variant Classification Sherloc (09022015). Collection method: clinical testing. Allele origin: germline.
Comment: This variant has not been reported in the literature in individuals affected with CD96-related conditions. Algorithms developed to predict the effect of sequence changes on RNA splicing suggest that this variant may disrupt the consensus splice site. In summary, the available evidence is currently insufficient to determine the role of this variant in disease. Therefore, it has been classified as a Variant of Uncertain Significance. This variant is present in population databases (no rsID available, gnomAD 0.006%). This sequence change affects a donor splice site in intron 10 of the CD96 gene. It is expected to disrupt RNA splicing. Variants that disrupt the donor or acceptor splice site typically lead to a loss of protein function (PMID: 16199547), however the current clinical and genetic evidence is not sufficient to establish whether loss-of-function variants in CD96 cause disease.

Revvity Omics, Revvity
Classification: Uncertain significance for C syndrome. Last evaluated: 2021-05-06. Review status: criteria provided, single submitter. Criteria: ACMG Guidelines, 2015. Collection method: clinical testing. Allele origin: germline.

Literature cited by the submitters: PubMed 16199547 (cited by Labcorp Genetics (formerly Invitae), Labcorp).

NM_005816.5(CD96):c.1249+1G>A

Gene: CD96 (CD96 molecule; plus strand). Cytogenetic location: 3q13.2.
Variant type: single nucleotide variant.
Coding change: c.1249+1G>A on transcript NM_005816.5 (MANE Select); the canonical splice donor site of the intron after coding-DNA position 1249, G replaced by A.
Molecular consequence: splice donor variant.
Genome position (GRCh38, 1-based): chr3:111,623,823, G>A. VCF-style: chr3-111623823-G-A. GRCh37 (hg19) VCF-style: chr3-111342670-G-A.
Other names: c.1297+1G>A (NM_198196.3); c.1249+1G>A (NM_001410800.1).
Identifiers: ClinVar variation 2439821 (VCV002439821.4), dbSNP rs1021804713, ClinGen allele CA80775835.
Genomic context (GRCh38, chr3:111,623,823, plus strand): 5'-CTACATCTTCAGTGACCCTTGTAGATGTGAGTGCCTTGAGGCCAAACACCACTCCTCAAC[G>A]TGAGTTCAGCAAAGTTTTCCTACATGATTGGAAAGAGACAACACACTCACAAGTTTTACT-3'